The following is an entry in ClinVar:

NM_001386795.1(DTNA):c.449-12T>C

Gene: DTNA (dystrobrevin alpha; plus strand). Cytogenetic location: 18q12.1.
Variant type: single nucleotide variant.
Coding change: c.449-12T>C on transcript NM_001386795.1 (MANE Select); 12 bases into the intron before coding-DNA position 449, T replaced by C.
Molecular consequence: intron variant.
Genome position (GRCh38, 1-based): chr18:34,811,947, T>C. VCF-style: chr18-34811947-T-C. GRCh37 (hg19) VCF-style: chr18-32391911-T-C.
Other names: c.449-12T>C (NM_032975.4, NM_001386761.1, NM_001386762.1 and 35 more transcripts).
Identifiers: ClinVar variation 390962 (VCV000390962.1), dbSNP rs1057523932, ClinGen allele CA16607927.

ClinVar aggregate classification (germline): Likely benign (1 of 4 stars; one submission).

Allele frequency attached by ClinVar (database versions not stated): gnomAD exomes below 0.00001.
gnomAD v4.1: 3 of 1,613,874 alleles (0.00019%); highest among the groups gnomAD compares: Non-Finnish European, 0.00025%; no homozygotes.

Submission:

GeneDx
Classification: Likely benign. Last evaluated: 2016-11-17. Review status: criteria provided, single submitter. Criteria: GeneDx Variant Classification (06012015). Collection method: clinical testing. Allele origin: germline. Affected: yes.
Comment: This variant is considered likely benign or benign based on one or more of the following criteria: it is a conservative change, it occurs at a poorly conserved position in the protein, it is predicted to be benign by multiple in silico algorithms, and/or has population frequency not consistent with disease.